The following is an entry in ClinVar:

NM_007118.4(TRIO):c.1627G>A (p.Glu543Lys)

Gene: TRIO (trio Rho guanine nucleotide exchange factor; plus strand). Cytogenetic location: 5p15.2.
Variant type: single nucleotide variant.
Coding change: c.1627G>A on transcript NM_007118.4 (MANE Select); coding-DNA position 1627, G replaced by A.
Protein change: p.Glu543Lys; replaces glutamic acid 543 with lysine.
Molecular consequence: missense variant. On other transcripts: non-coding transcript variant (1).
Genome position (GRCh38, 1-based): chr5:14,316,639, G>A. VCF-style: chr5-14316639-G-A. GRCh37 (hg19) VCF-style: chr5-14316748-G-A.
Other names: short protein forms E543K.
Identifiers: ClinVar variation 2632329 (VCV002632329.1), dbSNP rs751984960, ClinGen allele CA3205682.

ClinVar aggregate classification (germline): Uncertain significance (1 of 4 stars; one submission).

Conditions:
TRIO-related disorder. Also called: TRIO-related condition; TRIO-related disorders.

Allele frequency attached by ClinVar (database versions not stated): ExAC 0.00001.
gnomAD v4.1: 2 of 1,614,176 alleles (0.00012%); highest among the groups gnomAD compares: East Asian, 0.0022%; no homozygotes.

Submission:

PreventionGenetics, part of Exact Sciences
Classification: Uncertain significance for TRIO-related condition. Last evaluated: 2023-09-02. Review status: criteria provided, single submitter. Criteria: ACMG Guidelines, 2015. Collection method: clinical testing. Allele origin: germline.
Comment: The TRIO c.1627G>A variant is predicted to result in the amino acid substitution p.Glu543Lys. To our knowledge, this variant has not been reported in the literature. This variant is reported in 0.0033% of alleles in individuals of South Asian descent in gnomAD. At this time, the clinical significance of this variant is uncertain due to the absence of conclusive functional and genetic evidence.